The following is an entry in ClinVar:

ClinVar aggregate classification (germline): Uncertain significance (1 of 4 stars; one submission).

Submission:

Dasa
Classification: Uncertain significance. Last evaluated: 2026-05-18. Review status: criteria provided, single submitter. Criteria: DASA Assertion Criteria. Collection method: clinical testing. Allele origin: germline.
Comment: NM_000809.4(GABRA4):c.1154A>G (p.Asn385Ser) is a missense variant that results in the substitution of asparagine with serine. This variant is rare in population databases. The currently available literature and clinical evidence are not sufficient to establish a definitive association between this variant and the reported condition. Therefore, this variant is classified as a variant of uncertain significance.

NM_000809.4(GABRA4):c.1154A>G (p.Asn385Ser)

Gene: GABRA4 (gamma-aminobutyric acid type A receptor subunit alpha4; minus strand). Cytogenetic location: 4p12.
Variant type: single nucleotide variant.
Coding change: c.1154A>G on transcript NM_000809.4 (MANE Select); coding-DNA position 1154, A replaced by G.
Protein change: p.Asn385Ser; replaces asparagine 385 with serine.
Molecular consequence: missense variant.
Genome position (GRCh38, 1-based): chr4:46,928,736, T>C on the plus strand (A>G on the coding strand, the complement: GABRA4 is on the minus strand). VCF-style: chr4-46928736-T-C. GRCh37 (hg19) VCF-style: chr4-46930753-T-C.
Other names: c.1097A>G, p.Asn366Ser (NM_001204266.2); c.944A>G, p.Asn315Ser (NM_001204267.2); short protein forms N315S, N366S, N385S.
Identifiers: ClinVar variation 5020545 (VCV005020545.1).